The following is an entry in ClinVar:

NM_001126108.2(SLC12A3):c.201T>A (p.Tyr67Ter)

Gene: SLC12A3 (solute carrier family 12 member 3; plus strand). Cytogenetic location: 16q13.
Variant type: single nucleotide variant.
Coding change: c.201T>A on transcript NM_001126108.2 (MANE Select); coding-DNA position 201, T replaced by A.
Protein change: p.Tyr67Ter; replaces tyrosine 67 with a stop codon.
Molecular consequence: nonsense.
Genome position (GRCh38, 1-based): chr16:56,865,436, T>A. VCF-style: chr16-56865436-T-A. GRCh37 (hg19) VCF-style: chr16-56899348-T-A.
Other names: c.201T>A, p.Tyr67Ter (NM_000339.3, NM_001126107.2); short protein forms Y67*.
Identifiers: ClinVar variation 1684169 (VCV001684169.1), dbSNP rs1227599828, ClinGen allele CA395977255.

ClinVar aggregate classification (germline): Pathogenic (1 of 4 stars; one submission).

Conditions:
Familial hypokalemia-hypomagnesemia (GTLMNS). Also called: gitelman syndrome; HYPOMAGNESEMIA-HYPOKALEMIA, PRIMARY RENOTUBULAR, WITH HYPOCALCIURIA; POTASSIUM AND MAGNESIUM DEPLETION. Identifiers: Orphanet 358, MedGen C0268450, MONDO:0009904, OMIM 263800.

Submission:

European Hospital Georges Pompidou Genetics Department, Assistance Publique - Hôpitaux de Paris AP-HP
Classification: Pathogenic for Familial hypokalemia-hypomagnesemia. Last evaluated: 2022-04-27. Review status: criteria provided, single submitter. Criteria: ACMG Guidelines, 2015. Collection method: clinical testing. Allele origin: germline. Affected: yes.
Comment: ACMG criteria used:PVS1 PM1 PM2